The following is an entry in ClinVar:

NM_005120.3(MED12):c.3379T>A (p.Ser1127Thr)

Gene: MED12 (mediator complex subunit 12; plus strand). Cytogenetic location: Xq13.1.
Variant type: single nucleotide variant.
Coding change: c.3379T>A on transcript NM_005120.3 (MANE Select); coding-DNA position 3379, T replaced by A.
Protein change: p.Ser1127Thr; replaces serine 1127 with threonine.
Molecular consequence: missense variant.
Genome position (GRCh38, 1-based): chrX:71,128,622, T>A. VCF-style: chrX-71128622-T-A. GRCh37 (hg19) VCF-style: chrX-70348472-T-A.
Other names: short protein forms S1127T.
Identifiers: ClinVar variation 5020913 (VCV005020913.1).

ClinVar aggregate classification (germline): Uncertain significance (1 of 4 stars; one submission).

Submission:

Dasa
Classification: Uncertain significance. Last evaluated: 2025-07-22. Review status: criteria provided, single submitter. Criteria: DASA Assertion Criteria. Collection method: clinical testing. Allele origin: germline.
Comment: NM_005120.3(MED12):c.3379T>A (p.Ser1127Thr) is a missense variant that results in the substitution of serine with threonine. This variant is absent from population databases. Computational prediction algorithms are consistent with a benign effect. The currently available literature and clinical evidence are not sufficient to establish a definitive association between this variant and the reported condition. Therefore, this variant is classified as a variant of uncertain significance.